The following is an entry in ClinVar:

NM_001366722.1(GRIP1):c.386T>C (p.Val129Ala)

Gene: GRIP1 (glutamate receptor interacting protein 1; minus strand). Cytogenetic location: 12q14.3.
Variant type: single nucleotide variant.
Coding change: c.386T>C on transcript NM_001366722.1 (MANE Select); coding-DNA position 386, T replaced by C.
Protein change: p.Val129Ala; replaces valine 129 with alanine.
Molecular consequence: missense variant.
Genome position (GRCh38, 1-based): chr12:66,539,110, A>G on the plus strand (T>C on the coding strand, the complement: GRIP1 is on the minus strand). VCF-style: chr12-66539110-A-G. GRCh37 (hg19) VCF-style: chr12-66932890-A-G.
Other names: c.386T>C, p.Val129Ala (NM_001178074.2, NM_001379346.1, NM_021150.4); c.464T>C, p.Val155Ala (NM_001366723.1, NM_001366724.1, NM_001379345.1 and 2 more transcripts); c.389T>C, p.Val130Ala (NM_001379349.1, NM_001379351.1); short protein forms V129A, V130A, V155A.
Identifiers: ClinVar variation 1698650 (VCV001698650.6), dbSNP rs568959118, ClinGen allele CA6674677.
Genomic context (GRCh38, chr12:66,539,110, plus strand): 5'-TATGGATAAGGGGGGCTACTGTACTTACAGACCGGTGGAAGCTCGTACTCTACTTCAAGA[A>G]CCACTCTTTCTCCCACATTCTTCAGCAAGCTGATGATCTCGTCATGGCGGAATTTGGCCA-3'
Protein context (NP_001353651.1, residues 119-139): SLLKNVGERV[Val129Ala]LEVEYELPPV

ClinVar aggregate classification (germline): Conflicting classifications of pathogenicity. Review status: criteria provided, conflicting classifications (1 of 4 stars). 3 submissions from 3 submitters: Uncertain significance (1); Likely benign (2). Last evaluated 2025-12-23.

Conditions:
Fraser syndrome 3. Identifiers: MedGen C4540040, MONDO:0054739, OMIM 617667.

Allele frequency attached by ClinVar (database versions not stated): TOPMed 0.00002; gnomAD 0.00006; 1000 Genomes Project 30x 0.00016; 1000 Genomes Project 0.00020; ExAC 0.00032.
gnomAD v4.1: 267 of 1,613,786 alleles (0.017%); highest among the groups gnomAD compares: South Asian, 0.28%; 3 homozygotes.

Submissions (3):

Labcorp Genetics (formerly Invitae), Labcorp
Classification: Likely benign. Last evaluated: 2025-12-23. Review status: criteria provided, single submitter. Criteria: Invitae Variant Classification Sherloc (09022015). Collection method: clinical testing. Allele origin: germline.

Revvity Omics, Revvity
Classification: Uncertain significance for Fraser syndrome 3. Last evaluated: 2023-10-26. Review status: criteria provided, single submitter. Criteria: ACMG Guidelines, 2015. Collection method: clinical testing. Allele origin: germline.

Women's Health and Genetics/Laboratory Corporation of America, LabCorp
Classification: Likely benign. Last evaluated: 2022-06-28. Review status: criteria provided, single submitter. Criteria: LabCorp Variant Classification Summary - May 2015. Collection method: clinical testing. Allele origin: germline.
Comment: Variant summary: GRIP1 c.386T>C (p.Val129Ala) results in a non-conservative amino acid change located in the PDZ domain (IPR001478) of the encoded protein sequence. Three of five in-silico tools predict a damaging effect of the variant on protein function. The variant allele was found at a frequency of 0.00032 in 249338 control chromosomes (gnomAD), predominantly at a frequency of 0.0025 within the South Asian subpopulation in the gnomAD database. The observed variant frequency within South Asian control individuals in the gnomAD database is approximately 2 fold of the estimated maximal expected allele frequency for a pathogenic variant in GRIP1 causing Cryptophthalmos Syndrome (0.0013), strongly suggesting that the variant is a benign polymorphism found primarily in populations of South Asian origin. To our knowledge, no occurrence of c.386T>C in individuals affected with Cryptophthalmos Syndrome and no experimental evidence demonstrating its impact on protein function have been reported. No clinical diagnostic laboratories have submitted clinical-significance assessments for this variant to ClinVar after 2014. Based on the evidence outlined above, the variant was classified as likely benign.